The following is an entry in ClinVar:

ClinVar aggregate classification (germline): Uncertain significance. Review status: criteria provided, multiple submitters, no conflicts (2 of 4 stars). 2 submissions from 2 submitters: Uncertain significance (2). Last evaluated 2025-06-24.

Conditions:
Hereditary cancer-predisposing syndrome. Also called: Neoplastic Syndromes, Hereditary; Tumor predisposition; Hereditary neoplastic syndrome; Hereditary Cancer Syndrome. Identifiers: Orphanet 140162, MedGen C0027672, MeSH D009386, MONDO:0015356.
Cardiovascular phenotype. Identifiers: MedGen CN230736.

Submissions (2):

Ambry Genetics
Classification: Uncertain significance for Cardiovascular phenotype; Hereditary cancer-predisposing syndrome. Last evaluated: 2025-06-24. Review status: criteria provided, single submitter. Criteria: Ambry Variant Classification Scheme 2023. Collection method: clinical testing. Allele origin: germline.
Comment: The p.F447C variant (also known as c.1340T>G), located in coding exon 12 of the LZTR1 gene, results from a T to G substitution at nucleotide position 1340. The phenylalanine at codon 447 is replaced by cysteine, an amino acid with highly dissimilar properties. This amino acid position is highly conserved in available vertebrate species. In addition, this alteration is predicted to be deleterious by in silico analysis. Based on the available evidence, the clinical significance of this variant remains unclear.

Labcorp Genetics (formerly Invitae), Labcorp
Classification: Uncertain significance. Last evaluated: 2023-01-18. Review status: criteria provided, single submitter. Criteria: Invitae Variant Classification Sherloc (09022015). Collection method: clinical testing. Allele origin: germline.
Comment: This variant has not been reported in the literature in individuals affected with LZTR1-related conditions. In summary, the available evidence is currently insufficient to determine the role of this variant in disease. Therefore, it has been classified as a Variant of Uncertain Significance. Advanced modeling of protein sequence and biophysical properties (such as structural, functional, and spatial information, amino acid conservation, physicochemical variation, residue mobility, and thermodynamic stability) performed at Invitae indicates that this missense variant is not expected to disrupt LZTR1 protein function. This variant is not present in population databases (gnomAD no frequency). This sequence change replaces phenylalanine, which is neutral and non-polar, with cysteine, which is neutral and slightly polar, at codon 447 of the LZTR1 protein (p.Phe447Cys).

NM_006767.4(LZTR1):c.1340T>G (p.Phe447Cys)

Gene: LZTR1 (leucine zipper like post translational regulator 1; plus strand). Cytogenetic location: 22q11.21.
Variant type: single nucleotide variant.
Coding change: c.1340T>G on transcript NM_006767.4 (MANE Select); coding-DNA position 1340, T replaced by G.
Protein change: p.Phe447Cys; replaces phenylalanine 447 with cysteine.
Molecular consequence: missense variant.
Genome position (GRCh38, 1-based): chr22:20,993,741, T>G. VCF-style: chr22-20993741-T-G. GRCh37 (hg19) VCF-style: chr22-21348030-T-G.
Other names: c.1340T>G (NM_006767.3); short protein forms F447C.
Identifiers: ClinVar variation 3014429 (VCV003014429.4), dbSNP rs2518620059, ClinGen allele CA410774719.